The following is an entry in ClinVar:

ClinVar aggregate classification (germline): Uncertain significance (1 of 4 stars; one submission).

Conditions:
Tuberous sclerosis 2 (TSC2). Identifiers: Orphanet 805, MedGen C1860707, MONDO:0013199, OMIM 613254.

Submission:

Labcorp Genetics (formerly Invitae), Labcorp
Classification: Uncertain significance for Tuberous sclerosis 2. Last evaluated: 2023-05-03. Review status: criteria provided, single submitter. Criteria: Invitae Variant Classification Sherloc (09022015). Collection method: clinical testing. Allele origin: germline.
Comment: In summary, the available evidence is currently insufficient to determine the role of this variant in disease. Therefore, it has been classified as a Variant of Uncertain Significance. Advanced modeling of protein sequence and biophysical properties (such as structural, functional, and spatial information, amino acid conservation, physicochemical variation, residue mobility, and thermodynamic stability) performed at Invitae indicates that this missense variant is not expected to disrupt TSC2 protein function. This variant has not been reported in the literature in individuals affected with TSC2-related conditions. This variant is not present in population databases (gnomAD no frequency). This sequence change replaces isoleucine, which is neutral and non-polar, with phenylalanine, which is neutral and non-polar, at codon 1518 of the TSC2 protein (p.Ile1518Phe).

NM_000548.5(TSC2):c.4552A>T (p.Ile1518Phe)

Gene: TSC2 (TSC complex subunit 2; plus strand). Cytogenetic location: 16p13.3.
Variant type: single nucleotide variant.
Coding change: c.4552A>T on transcript NM_000548.5 (MANE Select); coding-DNA position 4552, A replaced by T.
Protein change: p.Ile1518Phe; replaces isoleucine 1518 with phenylalanine.
Molecular consequence: missense variant. On other transcripts: non-coding transcript variant (5).
Genome position (GRCh38, 1-based): chr16:2,085,009, A>T. VCF-style: chr16-2085009-A-T. GRCh37 (hg19) VCF-style: chr16-2135010-A-T.
Other names: c.4351A>T, p.Ile1451Phe (NM_001077183.3); c.4483A>T, p.Ile1495Phe (NM_001114382.3); c.4243A>T, p.Ile1415Phe (NM_001318827.2); c.4207A>T, p.Ile1403Phe (NM_001318829.2); c.3820A>T, p.Ile1274Phe (NM_001318831.2); c.4384A>T, p.Ile1462Phe (NM_001318832.2); c.4354A>T, p.Ile1452Phe (NM_001363528.2); c.4420A>T, p.Ile1474Phe (NM_001370404.1); and 26 more; short protein forms I1027F, I1251F, I1318F, I1402F, I1403F, I1432F, I1445F, I1481F.
Identifiers: ClinVar variation 2861847 (VCV002861847.1), dbSNP rs764903148, ClinGen allele CA394303003.